The following is an entry in ClinVar:

NM_024747.6(HPS6):c.1249C>T (p.Arg417Trp)

Gene: HPS6 (HPS6 biogenesis of lysosomal organelles complex 2 subunit 3; plus strand). Cytogenetic location: 10q24.32.
Variant type: single nucleotide variant.
Coding change: c.1249C>T on transcript NM_024747.6 (MANE Select); coding-DNA position 1249, C replaced by T.
Protein change: p.Arg417Trp; replaces arginine 417 with tryptophan.
Molecular consequence: missense variant.
Genome position (GRCh38, 1-based): chr10:102,066,723, C>T. VCF-style: chr10-102066723-C-T. GRCh37 (hg19) VCF-style: chr10-103826480-C-T.
Other names: c.1249C>T (NM_024747.5); short protein forms R417W.
Identifiers: ClinVar variation 1413967 (VCV001413967.6), dbSNP rs759135358, ClinGen allele CA5659950.
Genomic context (GRCh38, chr10:102,066,723, plus strand): 5'-CCTTCAGCCAAGGATCTGGTGTTTGAGGAGGCCTGCGGGTACTACCAGCGGCGGAGCCTG[C>T]GGGGTGCCCAGCTCACTCCAGAAGAACTGAGACACAGCAGCACATTCCGGGCACCTCAGG-3'
Protein context (NP_079023.2, residues 407-427): ACGYYQRRSL[Arg417Trp]GAQLTPEELR

ClinVar aggregate classification (germline): Uncertain significance. Review status: criteria provided, multiple submitters, no conflicts (2 of 4 stars). 2 submissions from 2 submitters: Uncertain significance (2). Last evaluated 2024-09-26.

Conditions:
Inborn genetic diseases. Identifiers: MedGen C0950123, MeSH D030342.

Allele frequency attached by ClinVar (database versions not stated): ExAC 0.00003; gnomAD exomes 0.00003; gnomAD 0.00004 and 0.00005; TOPMed 0.00005.
gnomAD v4.1: 52 of 1,613,910 alleles (0.0032%); highest among the groups gnomAD compares: African/African-American, 0.0067%; no homozygotes.

Submissions (2):

Ambry Genetics
Classification: Uncertain significance for Inborn genetic diseases. Last evaluated: 2024-09-26. Review status: criteria provided, single submitter. Criteria: Ambry Variant Classification Scheme 2023. Collection method: clinical testing. Allele origin: germline.

Labcorp Genetics (formerly Invitae), Labcorp
Classification: Uncertain significance. Last evaluated: 2022-06-18. Review status: criteria provided, single submitter. Criteria: Invitae Variant Classification Sherloc (09022015). Collection method: clinical testing. Allele origin: germline.
Comment: This sequence change replaces arginine, which is basic and polar, with tryptophan, which is neutral and slightly polar, at codon 417 of the HPS6 protein (p.Arg417Trp). This variant is present in population databases (rs759135358, gnomAD 0.008%). This variant has not been reported in the literature in individuals affected with HPS6-related conditions. Algorithms developed to predict the effect of missense changes on protein structure and function are either unavailable or do not agree on the potential impact of this missense change (SIFT: "Deleterious"; PolyPhen-2: "Benign"; Align-GVGD: "Class C15"). In summary, the available evidence is currently insufficient to determine the role of this variant in disease. Therefore, it has been classified as a Variant of Uncertain Significance.